The following is an entry in ClinVar:

ClinVar aggregate classification (germline): Pathogenic (1 of 4 stars; one submission).

Allele frequency attached by ClinVar (database versions not stated): TOPMed 0.00008.
gnomAD v4.1: 72 of 1,551,576 alleles (0.0046%); highest among the groups gnomAD compares: Non-Finnish European, 0.0061%; no homozygotes.

Submission:

Labcorp Genetics (formerly Invitae), Labcorp
Classification: Pathogenic. Last evaluated: 2022-06-28. Review status: criteria provided, single submitter. Criteria: Invitae Variant Classification Sherloc (09022015). Collection method: clinical testing. Allele origin: germline.
Comment: This sequence change creates a premature translational stop signal (p.Glu3360*) in the DNHD1 gene. It is expected to result in an absent or disrupted protein product. Loss-of-function variants in DNHD1 are known to be pathogenic (PMID: 34932939). This variant is present in population databases (no rsID available, gnomAD 0.01%). This variant has not been reported in the literature in individuals affected with DNHD1-related conditions. Algorithms developed to predict the effect of sequence changes on RNA splicing suggest that this variant may create or strengthen a splice site. For these reasons, this variant has been classified as Pathogenic.

Literature cited by the submitters: PubMed 34932939.

NM_144666.3(DNHD1):c.10078G>T (p.Glu3360Ter)

Gene: DNHD1 (dynein heavy chain domain 1; plus strand). Cytogenetic location: 11p15.4.
Variant type: single nucleotide variant.
Coding change: c.10078G>T on transcript NM_144666.3 (MANE Select); coding-DNA position 10078, G replaced by T.
Protein change: p.Glu3360Ter; replaces glutamic acid 3360 with a stop codon.
Molecular consequence: nonsense.
Genome position (GRCh38, 1-based): chr11:6,563,918, G>T. VCF-style: chr11-6563918-G-T. GRCh37 (hg19) VCF-style: chr11-6585148-G-T.
Other names: short protein forms E3360*.
Identifiers: ClinVar variation 2044889 (VCV002044889.1), dbSNP rs1056169167, ClinGen allele CA217294760.